The following is an entry in ClinVar:

NM_001122769.3(LCA5):c.488G>A (p.Arg163His)

Gene: LCA5 (lebercilin LCA5; minus strand). Cytogenetic location: 6q14.1.
Variant type: single nucleotide variant.
Coding change: c.488G>A on transcript NM_001122769.3 (MANE Select); coding-DNA position 488, G replaced by A.
Protein change: p.Arg163His; replaces arginine 163 with histidine.
Molecular consequence: missense variant.
Genome position (GRCh38, 1-based): chr6:79,513,444, C>T on the plus strand (G>A on the coding strand, the complement: LCA5 is on the minus strand). VCF-style: chr6-79513444-C-T. GRCh37 (hg19) VCF-style: chr6-80223161-C-T.
Other names: c.488G>A, p.Arg163His (NM_181714.4); short protein forms R163H.
Identifiers: ClinVar variation 911232 (VCV000911232.8), dbSNP rs189168054, ClinGen allele CA3901112.

ClinVar aggregate classification (germline): Uncertain significance. Review status: criteria provided, multiple submitters, no conflicts (2 of 4 stars). 4 submissions from 4 submitters: Uncertain significance (4). Last evaluated 2023-05-03.

Conditions:
Inborn genetic diseases. Identifiers: MedGen C0950123, MeSH D030342.
Leber congenital amaurosis 5 (LCA5). Also called: Amaurosis congenita of Leber, type 5. Identifiers: Orphanet 65, MedGen C1858301, MONDO:0011473, OMIM 604537.

Allele frequency attached by ClinVar (database versions not stated): gnomAD exomes 0.00002; TOPMed 0.00002; ExAC 0.00004; gnomAD 0.00004 and 0.00005; ESP Exome Variant Server 0.00008; 1000 Genomes Project 30x 0.00016; 1000 Genomes Project 0.00020.

Submissions (4):

Ambry Genetics
Classification: Uncertain significance for Inborn genetic diseases. Last evaluated: 2023-05-03. Review status: criteria provided, single submitter. Criteria: Ambry Variant Classification Scheme 2023. Collection method: clinical testing. Allele origin: germline.

Labcorp Genetics (formerly Invitae), Labcorp
Classification: Uncertain significance. Last evaluated: 2022-03-03. Review status: criteria provided, single submitter. Criteria: Invitae Variant Classification Sherloc (09022015). Collection method: clinical testing. Allele origin: germline.
Comment: This sequence change replaces arginine, which is basic and polar, with histidine, which is basic and polar, at codon 163 of the LCA5 protein (p.Arg163His). This variant is present in population databases (rs189168054, gnomAD 0.006%). This variant has not been reported in the literature in individuals affected with LCA5-related conditions. ClinVar contains an entry for this variant (Variation ID: 911232). Algorithms developed to predict the effect of missense changes on protein structure and function (SIFT, PolyPhen-2, Align-GVGD) all suggest that this variant is likely to be tolerated. In summary, the available evidence is currently insufficient to determine the role of this variant in disease. Therefore, it has been classified as a Variant of Uncertain Significance.

Blueprint Genetics
Classification: Uncertain significance. Last evaluated: 2019-08-21. Review status: criteria provided, single submitter. Criteria: ACMG Guidelines, 2015. Collection method: clinical testing. Allele origin: germline.

Illumina Laboratory Services, Illumina
Classification: Uncertain significance for Leber congenital amaurosis 5. Last evaluated: 2018-01-13. Review status: criteria provided, single submitter. Criteria: ICSL Variant Classification Criteria 13 December 2019. Collection method: clinical testing. Allele origin: germline.